The following is an entry in ClinVar:

ClinVar aggregate classification (germline): Pathogenic (1 of 4 stars; one submission).

Conditions:
Joubert syndrome 21 (JBTS21). Identifiers: MedGen C3810212, MONDO:0014288, OMIM 615636.

Allele frequency attached by ClinVar (database versions not stated): gnomAD exomes below 0.00001; TOPMed below 0.00001.

Submission:

Labcorp Genetics (formerly Invitae), Labcorp
Classification: Pathogenic for Joubert syndrome 21. Last evaluated: 2022-02-03. Review status: criteria provided, single submitter. Criteria: Invitae Variant Classification Sherloc (09022015). Collection method: clinical testing. Allele origin: germline.
Comment: For these reasons, this variant has been classified as Pathogenic. This variant has not been reported in the literature in individuals affected with CSPP1-related conditions. This variant is not present in population databases (gnomAD no frequency). This sequence change creates a premature translational stop signal (p.Leu757Glnfs*23) in the CSPP1 gene. It is expected to result in an absent or disrupted protein product. Loss-of-function variants in CSPP1 are known to be pathogenic (PMID: 24360807, 24360808).

Literature cited by the submitters: PubMed 24360807; PubMed 24360808.

NM_001382391.1(CSPP1):c.2285_2286del (p.Leu762fs)

Gene: CSPP1 (centrosome and spindle pole associated protein 1; plus strand). Cytogenetic location: 8q13.2.
Variant type: Deletion.
Coding change: c.2285_2286del on transcript NM_001382391.1 (MANE Select); coding-DNA positions 2285 to 2286, 2 bases deleted (TG; older notation c.2285_2286delTG).
Protein change: p.Leu762fs; shifts the reading frame from leucine 762.
Molecular consequence: frameshift variant.
Genome position (GRCh38, 1-based): chr8:67,158,490-67,158,491, TG deleted. VCF-style (leftmost placement, unchanged base first): chr8-67158489-CTG-C. GRCh37 (hg19) VCF-style: chr8-68070724-CTG-C.
Other names: c.1235_1236del, p.Leu412fs (NM_001291339.2); c.2204_2205del, p.Leu735fs (NM_001363131.2); c.2090_2091del, p.Leu697fs (NM_001363132.2); c.2009_2010del, p.Leu670fs (NM_001363133.2); c.2351_2352del, p.Leu784fs (NM_001364869.1); c.2171_2172del, p.Leu724fs (NM_001364870.1); c.2270_2271delTG, p.Leu757Glnfs (NM_024790.7); short protein forms L724fs, L412fs, L757fs, L735fs, L762fs, L670fs, L697fs, L784fs.
Identifiers: ClinVar variation 1453060 (VCV001453060.6), dbSNP rs1827098991, ClinGen allele CA1790813272.